The following is an entry in ClinVar:

ClinVar aggregate classification (germline): Pathogenic (0 of 4 stars; one submission).

Submission:

GenMed Metabolism Lab
Classification: Pathogenic. Review status: no assertion criteria provided. Collection method: not provided. Allele origin: unknown.
Comment: p.Gly162Glu, Neonatal,
ClinVar note: Converted during submission from pathogenic to Pathogenic.

NM_000531.6(OTC):c.485G>A (p.Gly162Glu)

Gene: OTC (ornithine transcarbamylase; plus strand). Cytogenetic location: Xp11.4.
Variant type: single nucleotide variant.
Coding change: c.485G>A on transcript NM_000531.6 (MANE Select); coding-DNA position 485, G replaced by A.
Protein change: p.Gly162Glu; replaces glycine 162 with glutamic acid.
Molecular consequence: missense variant.
Genome position (GRCh38, 1-based): chrX:38,401,373, G>A. VCF-style: chrX-38401373-G-A. GRCh37 (hg19) VCF-style: chrX-38260626-G-A.
Other names: short protein forms G162E.
Identifiers: ClinVar variation 97218 (VCV000097218.2), dbSNP rs72556272, ClinGen allele CA224638.